The following is an entry in ClinVar:

NM_020919.4(ALS2):c.3512+6G>A

Gene: ALS2 (alsin Rho guanine nucleotide exchange factor ALS2; minus strand). Cytogenetic location: 2q33.1.
Variant type: single nucleotide variant.
Coding change: c.3512+6G>A on transcript NM_020919.4 (MANE Select); 6 bases into the intron after coding-DNA position 3512, G replaced by A.
Molecular consequence: intron variant.
Genome position (GRCh38, 1-based): chr2:201,724,289, C>T on the plus strand (G>A on the coding strand, the complement: ALS2 is on the minus strand). VCF-style: chr2-201724289-C-T. GRCh37 (hg19) VCF-style: chr2-202589012-C-T.
Identifiers: ClinVar variation 2119144 (VCV002119144.4), dbSNP rs2469762482, ClinGen allele CA2580065449.

ClinVar aggregate classification (germline): Uncertain significance (1 of 4 stars; one submission).

Conditions:
Infantile-onset ascending hereditary spastic paralysis (IAHSP). Also called: Infantile-Onset Ascending Hereditary Spastic Paralysis (IAHSP); Autosomal Recessive Juvenile Amyotrophic Lateral Sclerosis. Identifiers: Orphanet 293168, MedGen C2931441, MONDO:0011797, OMIM 607225. Disease mechanism: loss of function.

Allele frequency attached by ClinVar (database versions not stated): gnomAD exomes below 0.00001.
gnomAD v4.1: 1 of 1,612,120 alleles (0.000062%); highest among the groups gnomAD compares: Non-Finnish European, 0.000085%; no homozygotes.

Submission:

Labcorp Genetics (formerly Invitae), Labcorp
Classification: Uncertain significance for Infantile-onset ascending hereditary spastic paralysis. Last evaluated: 2022-04-08. Review status: criteria provided, single submitter. Criteria: Invitae Variant Classification Sherloc (09022015). Collection method: clinical testing. Allele origin: germline.
Comment: This sequence change falls in intron 21 of the ALS2 gene. It does not directly change the encoded amino acid sequence of the ALS2 protein. It affects a nucleotide within the consensus splice site. This variant is not present in population databases (gnomAD no frequency). This variant has not been reported in the literature in individuals affected with ALS2-related conditions. Variants that disrupt the consensus splice site are a relatively common cause of aberrant splicing (PMID: 17576681, 9536098). Algorithms developed to predict the effect of sequence changes on RNA splicing suggest that this variant may create or strengthen a splice site. In summary, the available evidence is currently insufficient to determine the role of this variant in disease. Therefore, it has been classified as a Variant of Uncertain Significance.

Literature cited by the submitters: PubMed 17576681; PubMed 9536098.